The following is an entry in ClinVar:

NM_015559.3(SETBP1):c.4584_4607dup (p.Pro1543_Leu1544insProProLeuProProProProPro)

Gene: SETBP1 (SET binding protein 1; plus strand). Cytogenetic location: 18q12.3.
Variant type: Duplication.
Coding change: c.4584_4607dup on transcript NM_015559.3 (MANE Select); coding-DNA positions 4584 to 4607, 24 bases duplicated (GCCCCTGCCGCCACCGCCGCCACC).
Protein change: p.Pro1543_Leu1544insProProLeuProProProProPro.
Molecular consequence: inframe insertion.
Genome position (GRCh38, 1-based): chr18:45,063,491-45,063,514, GCCCCTGCCGCCACCGCCGCCACC duplicated; duplicating any 24 consecutive bases within chr18:45,063,489-45,063,514 gives the same sequence; the c. name uses the placement nearest the transcript's 3' end. VCF-style (leftmost placement, unchanged base first): chr18-45063488-G-GCCGCCCCTGCCGCCACCGCCGCCA. GRCh37 (hg19) VCF-style: chr18-42643453-G-GCCGCCCCTGCCGCCACCGCCGCCA.
Other names: c.4584_4607dup, p.Pro1543_Leu1544insProProLeuProProProProPro (NM_001379141.1, NM_001379142.1); c.4413_4436dup, p.Pro1486_Leu1487insProProLeuProProProProPro (NM_001410862.1).
Identifiers: ClinVar variation 2633403 (VCV002633403.1), dbSNP rs2511369998, ClinGen allele CA2695200392.
Genomic context (GRCh38, chr18:45,063,488, plus strand): 5'-CACCATCGAGGCGGTCATCCACATGGCCCGGGAGGCGCCGCCCCTGCCCCCGCCACCGCC[G>GCCGCCCCTGCCGCCACCGCCGCCA]CCGCCCCTGCCGCCACCGCCGCCACCACCCCTGCCCCCGCCACCCCCTCTACCCAAGACC-3'

ClinVar aggregate classification (germline): Uncertain significance (1 of 4 stars; one submission).

Conditions:
SETBP1-related disorder. Also called: SETBP1-related condition; SETBP1-related disorders.

Submission:

PreventionGenetics, part of Exact Sciences
Classification: Uncertain significance for SETBP1-related condition. Last evaluated: 2023-04-11. Review status: criteria provided, single submitter. Criteria: ACMG Guidelines, 2015. Collection method: clinical testing. Allele origin: germline.
Comment: The SETBP1 c.4584_4607dup24 variant is predicted to result in an in-frame duplication (p.Pro1536_Pro1543dup). To our knowledge, this variant has not been reported in the literature or in a large population database, indicating this variant is rare. At this time, the clinical significance of this variant is uncertain due to the absence of conclusive functional and genetic evidence.